The following is an entry in ClinVar:

NM_020163.3(SEMA3G):c.1174C>T (p.Arg392Trp)

Gene: SEMA3G (semaphorin 3G; minus strand). Cytogenetic location: 3p21.1.
Variant type: single nucleotide variant.
Coding change: c.1174C>T on transcript NM_020163.3 (MANE Select); coding-DNA position 1174, C replaced by T.
Protein change: p.Arg392Trp; replaces arginine 392 with tryptophan.
Molecular consequence: missense variant.
Genome position (GRCh38, 1-based): chr3:52,440,068, G>A on the plus strand (C>T on the coding strand, the complement: SEMA3G is on the minus strand). VCF-style: chr3-52440068-G-A. GRCh37 (hg19) VCF-style: chr3-52474084-G-A.
Other names: short protein forms R392W.
Identifiers: ClinVar variation 2634106 (VCV002634106.4), dbSNP rs140387468, ClinGen allele CA2438032.

ClinVar aggregate classification (germline): Uncertain significance (1 of 4 stars; one submission).

Conditions:
SEMA3G-related disorder. Also called: SEMA3G-related condition.

Allele frequency attached by ClinVar (database versions not stated): ExAC 0.00006; ESP Exome Variant Server 0.00008; TOPMed 0.00009; gnomAD 0.00011; gnomAD exomes 0.00018.

Submission:

PreventionGenetics, part of Exact Sciences
Classification: Uncertain significance for SEMA3G-related condition. Last evaluated: 2026-03-02. Review status: criteria provided, single submitter. Criteria: ACMG Guidelines, 2015. Collection method: clinical testing. Allele origin: germline.
Comment: The SEMA3G c.1174C>T variant is predicted to result in the amino acid substitution p.Arg392Trp. To our knowledge, this variant has not been reported in the literature. This variant is reported in 0.019% of alleles in individuals of European (non-Finnish) descent in gnomAD. At this time, the clinical significance of this variant is uncertain due to the absence of conclusive functional and genetic evidence.